The following is an entry in ClinVar:

ClinVar aggregate classification (germline): Benign/Likely benign. Review status: criteria provided, multiple submitters, no conflicts (2 of 4 stars). 4 submissions from 3 submitters: Benign (2); Likely benign (2). Last evaluated 2026-06-01.

Conditions:
Hypertrophic cardiomyopathy 11. Also called: ACTC1-Related Familial Hypertrophic Cardiomyopathy. Identifiers: MedGen C2677506, MONDO:0012799, OMIM 612098.
Dilated cardiomyopathy 1R (CMD1R). Identifiers: Orphanet 154, Orphanet 54260, MedGen C3150681, MONDO:0013261, OMIM 613424.

Allele frequency attached by ClinVar (database versions not stated): gnomAD 0.00385 and 0.00412; 1000 Genomes Project 0.00419; TOPMed 0.00448; ESP Exome Variant Server 0.00485; gnomAD exomes 0.00042 and 0.00099; ExAC 0.00110; 1000 Genomes Project 30x 0.00375.

Submissions (4):

CeGaT Center for Human Genetics Tuebingen
Classification: Benign. Last evaluated: 2026-06-01. Review status: criteria provided, single submitter. Criteria: CeGaT Center For Human Genetics Tuebingen Variant Classification Criteria Version 2. Collection method: clinical testing. Allele origin: germline. Affected: yes. Observed: 2 variant alleles.
Comment: GJD2-DT: BS1, BS2

Illumina Laboratory Services, Illumina
Classification: Likely benign for Hypertrophic cardiomyopathy 11. Last evaluated: 2018-01-13. Review status: criteria provided, single submitter. Criteria: ICSL Variant Classification Criteria 13 December 2019. Collection method: clinical testing. Allele origin: germline.
Comment: This variant was observed in the ICSL laboratory as part of a predisposition screen in an ostensibly healthy population. It had not been previously curated by ICSL or reported in the Human Gene Mutation Database (HGMD: prior to June 1st, 2018), and was therefore a candidate for classification through an automated scoring system. Utilizing variant allele frequency, disease prevalence and penetrance estimates, and inheritance mode, an automated score was calculated to assess if this variant is too frequent to cause the disease. Based on the score and internal cut-off values, a variant classified as likely benign is not then subjected to further curation. The score for this variant resulted in a classification of likely benign for this disease.

Illumina Laboratory Services, Illumina
Classification: Likely benign for Dilated cardiomyopathy 1R. Last evaluated: 2018-01-13. Review status: criteria provided, single submitter. Criteria: ICSL Variant Classification Criteria 13 December 2019. Collection method: clinical testing. Allele origin: germline.
Comment: the same text as in the submission from Illumina Laboratory Services, Illumina above.

GeneDx
Classification: Benign. Last evaluated: 2015-03-03. Review status: criteria provided, single submitter. Criteria: GeneDx Variant Classification Process June 2021. Collection method: clinical testing. Allele origin: germline. Affected: yes.

NM_005159.5(ACTC1):c.*22C>T

Genes: ACTC1 (actin alpha cardiac muscle 1; minus strand), GJD2-DT (GJD2 divergent transcript; plus strand). Cytogenetic location: 15q14.
Variant type: single nucleotide variant.
Coding change: c.*22C>T on transcript NM_005159.5 (MANE Select); 22 bases downstream of the stop codon, C replaced by T.
Molecular consequence: 3 prime UTR variant.
Genome position (GRCh38, 1-based): chr15:34,790,390, G>A on the plus strand (C>T on the coding strand, the complement: ACTC1 is on the minus strand). VCF-style: chr15-34790390-G-A. GRCh37 (hg19) VCF-style: chr15-35082591-G-A.
Identifiers: ClinVar variation 885999 (VCV000885999.8), dbSNP rs28730667, ClinGen allele CA041400.